The following is an entry in ClinVar:

NM_001903.5(CTNNA1):c.1143+4del

Gene: CTNNA1 (catenin alpha 1; plus strand). Cytogenetic location: 5q31.2.
Variant type: Deletion.
Coding change: c.1143+4del on transcript NM_001903.5 (MANE Select); 4 bases into the intron after coding-DNA position 1143, one base deleted (A; older notation c.1143+4delA).
Molecular consequence: intron variant.
Genome position (GRCh38, 1-based): chr5:138,886,296, A deleted; the last of 2 consecutive A bases (chr5:138,886,295-138,886,296); deleting either gives the same sequence. VCF-style (leftmost placement, unchanged base first): chr5-138886294-TA-T. GRCh37 (hg19) VCF-style: chr5-138221983-TA-T.
Other names: c.33+4del (NM_001323993.1, NM_001324005.1, NM_001323998.1 and 18 more transcripts); c.-240+4del (NM_001324013.1); c.-365+4del (NM_001324009.1, NM_001324007.1, NM_001324006.1 and 1 more transcripts); c.1143+4del (NM_001323984.2, NM_001290307.3, NM_001323983.1 and 3 more transcripts); c.774+4del (NM_001290310.3); c.834+4del (NM_001290309.3); c.-58+10699del (NM_001324012.1); c.-61+10699del (NM_001324010.1); and 1 more.
Identifiers: ClinVar variation 1060890 (VCV001060890.8), dbSNP rs2150024570, ClinGen allele CA2499217657.
Genomic context (GRCh38, chr5:138,886,294, plus strand): 5'-ATGCACTCAATTCTGCAATAGATAAAATGACCAAGAAGACCAGGGACTTGCGTAGACAGG[TA>T]ATCTGGATGAAAGTGCTGATTGTTTTTCTAAGTTCTCAATTTTGTAGTTTTGATTAAAAT-3'

ClinVar aggregate classification (germline): Uncertain significance. Review status: criteria provided, multiple submitters, no conflicts (2 of 4 stars). 2 submissions from 2 submitters: Uncertain significance (2). Last evaluated 2023-11-16.

Conditions:
Hereditary cancer-predisposing syndrome. Also called: Neoplastic Syndromes, Hereditary; Hereditary Cancer Syndrome; Hereditary neoplastic syndrome; Tumor predisposition. Identifiers: Orphanet 140162, MedGen C0027672, MeSH D009386, MONDO:0015356.

Submissions (2):

Ambry Genetics
Classification: Uncertain significance for Hereditary cancer-predisposing syndrome. Last evaluated: 2023-11-16. Review status: criteria provided, single submitter. Criteria: Ambry Variant Classification Scheme 2023. Collection method: clinical testing. Allele origin: germline.
Comment: The c.1143+4delA intronic variant, located in intron 7 of the CTNNA1 gene, results from a deletion of one nucleotide within intron 7 of the CTNNA1 gene. This nucleotide position is well conserved in available vertebrate species. In silico splice site analysis predicts that this alteration will not have any significant effect on splicing. The evidence for this gene-disease relationship is limited; therefore, the clinical significance of this alteration is unclear.

Labcorp Genetics (formerly Invitae), Labcorp
Classification: Uncertain significance. Last evaluated: 2020-06-18. Review status: criteria provided, single submitter. Criteria: Invitae Variant Classification Sherloc (09022015). Collection method: clinical testing. Allele origin: germline.
Comment: In summary, the available evidence is currently insufficient to determine the role of this variant in disease. Therefore, it has been classified as a Variant of Uncertain Significance. Nucleotide substitutions within the consensus splice site are a relatively common cause of aberrant splicing (PMID: 17576681, 9536098). Algorithms developed to predict the effect of sequence changes on RNA splicing suggest that this variant is not likely to affect RNA splicing, but this prediction has not been confirmed by published transcriptional studies. This variant has not been reported in the literature in individuals with CTNNA1-related conditions. This variant is not present in population databases (ExAC no frequency). This sequence change falls in intron 8 of the CTNNA1 gene. It does not directly change the encoded amino acid sequence of the CTNNA1 protein, but it affects a nucleotide within the consensus splice site of the intron.

Literature cited by the submitters: PubMed 17576681 (cited by Labcorp Genetics (formerly Invitae), Labcorp); PubMed 9536098 (cited by Labcorp Genetics (formerly Invitae), Labcorp).